The following is an entry in ClinVar:

NM_004320.6(ATP2A1):c.1815G>C (p.Lys605Asn)

Gene: ATP2A1 (ATPase sarcoplasmic/endoplasmic reticulum Ca2+ transporting 1; plus strand). Cytogenetic location: 16p11.2.
Variant type: single nucleotide variant.
Coding change: c.1815G>C on transcript NM_004320.6 (MANE Select); coding-DNA position 1815, G replaced by C.
Protein change: p.Lys605Asn; replaces lysine 605 with asparagine.
Molecular consequence: missense variant.
Genome position (GRCh38, 1-based): chr16:28,900,631, G>C. VCF-style: chr16-28900631-G-C. GRCh37 (hg19) VCF-style: chr16-28911952-G-C.
Other names: c.1440G>C, p.Lys480Asn (NM_001286075.2); c.1815G>C, p.Lys605Asn (NM_173201.5); short protein forms K605N, K480N.
Identifiers: ClinVar variation 387405 (VCV000387405.2), dbSNP rs1057522782, ClinGen allele CA16607383.

ClinVar aggregate classification (germline): Uncertain significance (1 of 4 stars; one submission).

gnomAD v4.1: 2 of 1,598,286 alleles (0.00013%); highest among the groups gnomAD compares: Middle Eastern, 0.017%; no homozygotes.

Submission:

GeneDx
Classification: Uncertain significance. Last evaluated: 2016-07-20. Review status: criteria provided, single submitter. Criteria: GeneDx Variant Classification (06012015). Collection method: clinical testing. Allele origin: germline. Affected: yes.
Comment: A variant of uncertain significance has been identified in the ATP2A1 gene. The K605N variant has not been published as a pathogenic variant, nor has it been reported as a benign variant to our knowledge. It was not observed in approximately 6,500 individuals of European and African American ancestry in the NHLBI Exome Sequencing Project, indicating it is not a common benign variant in these populations. The K605N variant is a semi-conservative amino acid substitution, which may impact secondary protein structure as these residues differ in some properties. Additionally, this substitution occurs at a position that is conserved across species. However, in silico analysis is inconsistent in its predictions as to whether or not the variant is damaging to the protein structure/function. Therefore, based on the currently available information, it is unclear whether this variant is a pathogenic variant or a rare benign variant.